The following is an entry in ClinVar:

NM_182961.4(SYNE1):c.6550A>G (p.Lys2184Glu)

Gene: SYNE1 (spectrin repeat containing nuclear envelope protein 1; minus strand). Cytogenetic location: 6q25.2.
Variant type: single nucleotide variant.
Coding change: c.6550A>G on transcript NM_182961.4 (MANE Select); coding-DNA position 6550, A replaced by G.
Protein change: p.Lys2184Glu; replaces lysine 2184 with glutamic acid.
Molecular consequence: missense variant.
Genome position (GRCh38, 1-based): chr6:152,407,187, T>C on the plus strand (A>G on the coding strand, the complement: SYNE1 is on the minus strand). VCF-style: chr6-152407187-T-C. GRCh37 (hg19) VCF-style: chr6-152728322-T-C.
Other names: c.6571A>G, p.Lys2191Glu (NM_033071.5); short protein forms K2184E, K2191E.
Identifiers: ClinVar variation 649968 (VCV000649968.32), dbSNP rs765343767, ClinGen allele CA4058031.

ClinVar aggregate classification (germline): Uncertain significance. Review status: criteria provided, multiple submitters, no conflicts (2 of 4 stars). 3 submissions from 3 submitters: Uncertain significance (3). Last evaluated 2025-03-04.

Conditions:
Autosomal recessive ataxia, Beauce type. Also called: Spinocerebellar ataxia, autosomal recessive 8; SYNE1 Deficiency; SYNE1-Related Autosomal Recessive Cerebellar Ataxia; ATAXIA, RECESSIVE, OF BEAUCE. Identifiers: Orphanet 88644, MedGen C1853116, MONDO:0012549, OMIM 610743.
Emery-Dreifuss muscular dystrophy 4, autosomal dominant (EDMD4). Also called: EMERY-DREIFUSS MUSCULAR DYSTROPHY 4 WITH VARIABLE FEATURES. Identifiers: Orphanet 261, MedGen C2751807, MONDO:0013071, OMIM 612998.

Allele frequency attached by ClinVar (database versions not stated): gnomAD exomes 0.00002; ExAC 0.00003.
gnomAD v4.1: 28 of 1,613,948 alleles (0.0017%); highest among the groups gnomAD compares: Middle Eastern, 0.016%; no homozygotes.

Submissions (3):

Revvity Omics, Revvity
Classification: Uncertain significance. Last evaluated: 2025-03-04. Review status: criteria provided, single submitter. Criteria: ACMG Guidelines, 2015. Collection method: clinical testing. Allele origin: germline.

Labcorp Genetics (formerly Invitae), Labcorp
Classification: Uncertain significance for Emery-Dreifuss muscular dystrophy 4, autosomal dominant; Autosomal recessive ataxia, Beauce type. Last evaluated: 2023-09-08. Review status: criteria provided, single submitter. Criteria: Invitae Variant Classification Sherloc (09022015). Collection method: clinical testing. Allele origin: germline.
Comment: This variant has not been reported in the literature in individuals affected with SYNE1-related conditions. This sequence change replaces lysine, which is basic and polar, with glutamic acid, which is acidic and polar, at codon 2191 of the SYNE1 protein (p.Lys2191Glu). This variant is present in population databases (rs765343767, gnomAD 0.004%). ClinVar contains an entry for this variant (Variation ID: 649968). An algorithm developed to predict the effect of missense changes on protein structure and function (PolyPhen-2) suggests that this variant¬¨‚Ä†is likely to be tolerated. In summary, the available evidence is currently insufficient to determine the role of this variant in disease. Therefore, it has been classified as a Variant of Uncertain Significance.

CeGaT Center for Human Genetics Tuebingen
Classification: Uncertain significance. Last evaluated: 2023-04-01. Review status: criteria provided, single submitter. Criteria: CeGaT Center For Human Genetics Tuebingen Variant Classification Criteria Version 2. Collection method: clinical testing. Allele origin: germline. Affected: yes. Observed: 1 variant allele.
Comment: SYNE1: PM2, BP4